The following is an entry in ClinVar:

ClinVar aggregate classification (germline): Uncertain significance (1 of 4 stars; one submission).

Submission:

Labcorp Genetics (formerly Invitae), Labcorp
Classification: Uncertain significance. Last evaluated: 2022-08-28. Review status: criteria provided, single submitter. Criteria: Invitae Variant Classification Sherloc (09022015). Collection method: clinical testing. Allele origin: germline.
Comment: This sequence change replaces leucine, which is neutral and non-polar, with proline, which is neutral and non-polar, at codon 1375 of the CACNA1F protein (p.Leu1375Pro). In summary, the available evidence is currently insufficient to determine the role of this variant in disease. Therefore, it has been classified as a Variant of Uncertain Significance. Algorithms developed to predict the effect of missense changes on protein structure and function (SIFT, PolyPhen-2, Align-GVGD) all suggest that this variant is likely to be disruptive. This variant has not been reported in the literature in individuals affected with CACNA1F-related conditions. This variant is not present in population databases (gnomAD no frequency).

NM_001256789.3(CACNA1F):c.4091T>C (p.Leu1364Pro)

Gene: CACNA1F (calcium voltage-gated channel subunit alpha1 F; minus strand). Cytogenetic location: Xp11.23.
Variant type: single nucleotide variant.
Coding change: c.4091T>C on transcript NM_001256789.3 (MANE Select); coding-DNA position 4091, T replaced by C.
Protein change: p.Leu1364Pro; replaces leucine 1364 with proline.
Molecular consequence: missense variant.
Genome position (GRCh38, 1-based): chrX:49,211,907, A>G on the plus strand (T>C on the coding strand, the complement: CACNA1F is on the minus strand). VCF-style: chrX-49211907-A-G. GRCh37 (hg19) VCF-style: chrX-49068367-A-G.
Other names: c.3929T>C, p.Leu1310Pro (NM_001256790.3); c.4124T>C, p.Leu1375Pro (NM_005183.4); short protein forms L1310P, L1364P, L1375P.
Identifiers: ClinVar variation 1714507 (VCV001714507.5), dbSNP rs2520798980, ClinGen allele CA412961849.